The following is an entry in ClinVar:

ClinVar aggregate classification (germline): Uncertain significance (1 of 4 stars; one submission).

Conditions:
Marfan syndrome (MFS). Also called: MARFAN SYNDROME, TYPE I; Marfan syndrome type 1; Marfan's syndrome; Marfan syndrome, classic; FBN1-Related Marfan Syndrome. Identifiers: Orphanet 284963, Orphanet 558, MedGen C0024796, MONDO:0007947, OMIM 154700.
Familial thoracic aortic aneurysm and aortic dissection (TAAD). Also called: Thoracic aortic aneurysms and dissections. Identifiers: Orphanet 91387, MedGen C4707243, MONDO:0019625.

Submission:

Labcorp Genetics (formerly Invitae), Labcorp
Classification: Uncertain significance for Marfan syndrome; Familial thoracic aortic aneurysm and aortic dissection. Last evaluated: 2021-08-21. Review status: criteria provided, single submitter. Criteria: Invitae Variant Classification Sherloc (09022015). Collection method: clinical testing. Allele origin: germline.
Comment: This sequence change replaces proline with leucine at codon 700 of the FBN1 protein (p.Pro700Leu). The proline residue is highly conserved and there is a moderate physicochemical difference between proline and leucine. In summary, the available evidence is currently insufficient to determine the role of this variant in disease. Therefore, it has been classified as a Variant of Uncertain Significance. Advanced modeling of protein sequence and biophysical properties (such as structural, functional, and spatial information, amino acid conservation, physicochemical variation, residue mobility, and thermodynamic stability) performed at Invitae indicates that this missense variant is expected to disrupt FBN1 protein function. This variant has not been reported in the literature in individuals affected with FBN1-related conditions. This variant is not present in population databases (ExAC no frequency).

NM_000138.5(FBN1):c.2099C>T (p.Pro700Leu)

Gene: FBN1 (fibrillin 1; minus strand). Cytogenetic location: 15q21.1.
Variant type: single nucleotide variant.
Coding change: c.2099C>T on transcript NM_000138.5 (MANE Select); coding-DNA position 2099, C replaced by T.
Protein change: p.Pro700Leu; replaces proline 700 with leucine.
Molecular consequence: missense variant.
Genome position (GRCh38, 1-based): chr15:48,503,801, G>A on the plus strand (C>T on the coding strand, the complement: FBN1 is on the minus strand). VCF-style: chr15-48503801-G-A. GRCh37 (hg19) VCF-style: chr15-48795998-G-A.
Other names: short protein forms P700L.
Identifiers: ClinVar variation 1437701 (VCV001437701.6), dbSNP rs2141315649, ClinGen allele CA392337936.
Genomic context (GRCh38, chr15:48,503,801, plus strand): 5'-TGGCAGAAGGCTGGCAGTACGAGGGCATCTCCATGATACCACATACCTGAATTCTGTGCA[G>A]GACACGGCTGGCAAGGTTCCCCAAATGCATACTCAGTGCTGGCGCAACAGCATTCAGATT-3'
Protein context (NP_000129.3, residues 690-710): YAFGEPCQPC[Pro700Leu]AQNSAEYQAL